The following is an entry in ClinVar:

ClinVar aggregate classification (germline): Likely benign (0 of 4 stars; one submission).

Conditions:
PLXNA1-related disorder. Also called: PLXNA1-related condition.

Allele frequency attached by ClinVar (database versions not stated): gnomAD exomes 0.00001; ExAC 0.00003; 1000 Genomes Project 30x 0.00031; 1000 Genomes Project 0.00040.
gnomAD v4.1: 24 of 1,613,062 alleles (0.0015%); highest among the groups gnomAD compares: African/African-American, 0.0093%; no homozygotes.

Submission:

PreventionGenetics, part of Exact Sciences
Classification: Likely benign for PLXNA1-related condition. Last evaluated: 2019-02-28. Review status: no assertion criteria provided. Collection method: clinical testing. Allele origin: germline.
Comment: This variant is classified as likely benign based on ACMG/AMP sequence variant interpretation guidelines (Richards et al. 2015 PMID: 25741868, with internal and published modifications).

NM_032242.4(PLXNA1):c.2751G>A (p.Ala917=)

Gene: PLXNA1 (plexin A1; plus strand). Cytogenetic location: 3q21.3.
Variant type: single nucleotide variant.
Coding change: c.2751G>A on transcript NM_032242.4 (MANE Select); coding-DNA position 2751, G replaced by A.
Protein change: p.Ala917=; no amino-acid change (alanine 917 retained).
Molecular consequence: synonymous variant.
Genome position (GRCh38, 1-based): chr3:127,014,624, G>A. VCF-style: chr3-127014624-G-A. GRCh37 (hg19) VCF-style: chr3-126733467-G-A.
Identifiers: ClinVar variation 3057512 (VCV003057512.2), dbSNP rs567247021, ClinGen allele CA2593745.